The following is an entry in ClinVar:

ClinVar aggregate classification (germline): Uncertain significance (1 of 4 stars; one submission).

Conditions:
Developmental and epileptic encephalopathy, 2 (DEE2). Also called: INFANTILE SPASM SYNDROME, X-LINKED 2; CDKL5 deficiency disorder. Identifiers: Orphanet 1934, Orphanet 3451, Orphanet 505652, MedGen C4750718, MONDO:0010396, OMIM 300672.
Angelman syndrome-like. Identifiers: MedGen CN128785.

Allele frequency attached by ClinVar (database versions not stated): gnomAD exomes 0.00001.
gnomAD v4.1: 6 of 1,211,582 alleles (0.0005%); highest among the groups gnomAD compares: Non-Finnish European, 0.00067%; no homozygotes.

Submission:

Labcorp Genetics (formerly Invitae), Labcorp
Classification: Uncertain significance for Developmental and epileptic encephalopathy, 2; Angelman syndrome-like. Last evaluated: 2024-10-03. Review status: criteria provided, single submitter. Criteria: Invitae Variant Classification Sherloc (09022015). Collection method: clinical testing. Allele origin: germline.
Comment: This sequence change replaces asparagine, which is neutral and polar, with serine, which is neutral and polar, at codon 1014 of the CDKL5 protein (p.Asn1014Ser). This variant is not present in population databases (gnomAD no frequency). This variant has not been reported in the literature in individuals affected with CDKL5-related conditions. Invitae Evidence Modeling of protein sequence and biophysical properties (such as structural, functional, and spatial information, amino acid conservation, physicochemical variation, residue mobility, and thermodynamic stability) indicates that this missense variant is not expected to disrupt CDKL5 protein function with a negative predictive value of 95%. Algorithms developed to predict the effect of sequence changes on RNA splicing suggest that this variant may create or strengthen a splice site. In summary, the available evidence is currently insufficient to determine the role of this variant in disease. Therefore, it has been classified as a Variant of Uncertain Significance.

NC_000023.11:g.18653492A>G

Genes: CDKL5 (cyclin dependent kinase like 5; plus strand), RS1 (retinoschisin 1; minus strand). Cytogenetic location: Xp22.13.
Variant type: single nucleotide variant.
Molecular consequence: intron variant (on NM_000330.4). On other transcripts: missense variant (2).
Genome position: GRCh38 VCF-style: chrX-18653492-A-G. GRCh37 (hg19) VCF-style: chrX-18671612-A-G.
Other names: c.3041A>G, p.Asn1014Ser (NM_001037343.2, NM_003159.3); c.184+3161T>C (NM_000330.4); short protein forms N1014S.
Identifiers: ClinVar variation 2931117 (VCV002931117.3), dbSNP rs1928137395, ClinGen allele CA412374573.